The following is an entry in ClinVar:

ClinVar aggregate classification (germline): Uncertain significance. Review status: criteria provided, multiple submitters, no conflicts (2 of 4 stars). 2 submissions from 2 submitters: Uncertain significance (2). Last evaluated 2025-08-20.

Conditions:
Cardiovascular phenotype. Identifiers: MedGen CN230736.

Allele frequency attached by ClinVar (database versions not stated): gnomAD exomes below 0.00001 and 0.00001; TOPMed 0.00001.
gnomAD v4.1: 4 of 1,211,822 alleles (0.00033%); highest among the groups gnomAD compares: Non-Finnish European, 0.00045%; no homozygotes.

Submissions (2):

Labcorp Genetics (formerly Invitae), Labcorp
Classification: Uncertain significance. Last evaluated: 2025-08-20. Review status: criteria provided, single submitter. Criteria: Invitae Variant Classification Sherloc (09022015). Collection method: clinical testing. Allele origin: germline.
Comment: This sequence change replaces lysine, which is basic and polar, with methionine, which is neutral and non-polar, at codon 139 of the BGN protein (p.Lys139Met). This variant is present in population databases (no rsID available, gnomAD 0.002%). This variant has not been reported in the literature in individuals affected with BGN-related conditions. ClinVar contains an entry for this variant (Variation ID: 1426648). Invitae Evidence Modeling of protein sequence and biophysical properties (such as structural, functional, and spatial information, amino acid conservation, physicochemical variation, residue mobility, and thermodynamic stability) indicates that this missense variant is not expected to disrupt BGN protein function with a negative predictive value of 80%. In summary, the available evidence is currently insufficient to determine the role of this variant in disease. Therefore, it has been classified as a Variant of Uncertain Significance.

Ambry Genetics
Classification: Uncertain significance for Cardiovascular phenotype. Last evaluated: 2022-05-02. Review status: criteria provided, single submitter. Criteria: Ambry Variant Classification Scheme 2023. Collection method: clinical testing. Allele origin: germline.
Comment: The p.K139M variant (also known as c.416A>T), located in coding exon 3 of the BGN gene, results from an A to T substitution at nucleotide position 416. The lysine at codon 139 is replaced by methionine, an amino acid with similar properties. This amino acid position is conserved. In addition, this alteration is predicted to be tolerated by in silico analysis. Since supporting evidence is limited at this time, the clinical significance of this alteration remains unclear.

NM_001711.6(BGN):c.416A>T (p.Lys139Met)

Gene: BGN (biglycan; plus strand). Cytogenetic location: Xq28.
Variant type: single nucleotide variant.
Coding change: c.416A>T on transcript NM_001711.6 (MANE Select); coding-DNA position 416, A replaced by T.
Protein change: p.Lys139Met; replaces lysine 139 with methionine.
Molecular consequence: missense variant.
Genome position (GRCh38, 1-based): chrX:153,505,927, A>T. VCF-style: chrX-153505927-A-T. GRCh37 (hg19) VCF-style: chrX-152771385-A-T.
Other names: short protein forms K139M.
Identifiers: ClinVar variation 1426648 (VCV001426648.10), dbSNP rs1556993003, ClinGen allele CA415069367.
Genomic context (GRCh38, chrX:153,505,927, plus strand): 5'-TCGTCCTGGTGAACAACAAGATCTCCAAGATCCATGAGAAGGCCTTCAGCCCACTGCGGA[A>T]GCTGCAGAAGCTCTACATCTCCAAGAACCACCTGGTGGAGATCCCGCCCAACCTACCCAG-3'
Protein context (NP_001702.1, residues 129-149): IHEKAFSPLR[Lys139Met]LQKLYISKNH